The following is an entry in ClinVar:

NM_000020.3(ACVRL1):c.639T>A (p.Tyr213Ter)

Gene: ACVRL1 (activin A receptor like type 1; plus strand). Cytogenetic location: 12q13.13.
Variant type: single nucleotide variant.
Coding change: c.639T>A on transcript NM_000020.3 (MANE Select); coding-DNA position 639, T replaced by A.
Protein change: p.Tyr213Ter; replaces tyrosine 213 with a stop codon.
Molecular consequence: nonsense.
Genome position (GRCh38, 1-based): chr12:51,914,452, T>A. VCF-style: chr12-51914452-T-A. GRCh37 (hg19) VCF-style: chr12-52308236-T-A.
Other names: c.639T>A, p.Tyr213Ter (NM_001077401.2, NM_001406487.1, NM_001406488.1 and 1 more transcripts); c.327T>A, p.Tyr109Ter (NM_001406490.1, NM_001406491.1, NM_001406492.1 and 2 more transcripts); c.75T>A, p.Tyr25Ter (NM_001406495.1); short protein forms Y109*, Y25*, Y213*.
Identifiers: ClinVar variation 1753284 (VCV001753284.3), dbSNP rs962224649, ClinGen allele CA384899972.

ClinVar aggregate classification (germline): Pathogenic (1 of 4 stars; one submission).

Conditions:
Cardiovascular phenotype. Identifiers: MedGen CN230736.

Submission:

Ambry Genetics
Classification: Pathogenic for Cardiovascular phenotype. Last evaluated: 2025-08-20. Review status: criteria provided, single submitter. Criteria: Ambry Variant Classification Scheme 2023. Collection method: clinical testing. Allele origin: germline.
Comment: The p.Y213* pathogenic mutation (also known as c.639T>A), located in coding exon 5 of the ACVRL1 gene, results from a T to A substitution at nucleotide position 639. This changes the amino acid from a tyrosine to a stop codon within coding exon 5. This variant is considered to be rare based on population cohorts in the Genome Aggregation Database (gnomAD). This alteration is expected to result in loss of function by premature protein truncation or nonsense-mediated mRNA decay. As such, this alteration is interpreted as a disease-causing mutation.